The following is an entry in ClinVar:

NM_004991.4(MECOM):c.1427C>T (p.Pro476Leu)

Gene: MECOM (MDS1 and EVI1 complex locus; minus strand). Cytogenetic location: 3q26.2.
Variant type: single nucleotide variant.
Coding change: c.1427C>T on transcript NM_004991.4 (MANE Select); coding-DNA position 1427, C replaced by T.
Protein change: p.Pro476Leu; replaces proline 476 with leucine.
Molecular consequence: missense variant. On other transcripts: intron variant (2).
Genome position (GRCh38, 1-based): chr3:169,116,445, G>A on the plus strand (C>T on the coding strand, the complement: MECOM is on the minus strand). VCF-style: chr3-169116445-G-A. GRCh37 (hg19) VCF-style: chr3-168834233-G-A.
Other names: c.1058C>T, p.Pro353Leu (NM_001105077.4); c.863C>T, p.Pro288Leu (NM_001105078.4, NM_001164000.2, NM_001205194.2 and 4 more transcripts); c.866C>T, p.Pro289Leu (NM_001163999.2, NM_001366467.2, NM_001366468.2 and 1 more transcripts); c.1427C>T, p.Pro476Leu (NM_001366466.2); c.1133-678C>T (NM_001366473.2); c.569-678C>T (NM_001366474.2); short protein forms P288L, P353L, P289L, P476L.
Identifiers: ClinVar variation 2032964 (VCV002032964.4), dbSNP rs2549413470, ClinGen allele CA355062408.

ClinVar aggregate classification (germline): Uncertain significance (1 of 4 stars; one submission).

Submission:

Labcorp Genetics (formerly Invitae), Labcorp
Classification: Uncertain significance. Last evaluated: 2022-10-09. Review status: criteria provided, single submitter. Criteria: Invitae Variant Classification Sherloc (09022015). Collection method: clinical testing. Allele origin: germline.
Comment: In summary, the available evidence is currently insufficient to determine the role of this variant in disease. Therefore, it has been classified as a Variant of Uncertain Significance. Algorithms developed to predict the effect of missense changes on protein structure and function are either unavailable or do not agree on the potential impact of this missense change (SIFT: "Deleterious"; PolyPhen-2: "Benign"; Align-GVGD: "Class C0"). This variant has not been reported in the literature in individuals affected with MECOM-related conditions. This variant is not present in population databases (gnomAD no frequency). This sequence change replaces proline, which is neutral and non-polar, with leucine, which is neutral and non-polar, at codon 288 of the MECOM protein (p.Pro288Leu).